The following is an entry in ClinVar:

NM_001077525.3(MTMR14):c.1082C>T (p.Thr361Ile)

Gene: MTMR14 (myotubularin related protein 14; plus strand). Cytogenetic location: 3p25.3.
Variant type: single nucleotide variant.
Coding change: c.1082C>T on transcript NM_001077525.3 (MANE Select); coding-DNA position 1082, C replaced by T.
Protein change: p.Thr361Ile; replaces threonine 361 with isoleucine.
Molecular consequence: missense variant. On other transcripts: non-coding transcript variant (9).
Genome position (GRCh38, 1-based): chr3:9,684,919, C>T. VCF-style: chr3-9684919-C-T. GRCh37 (hg19) VCF-style: chr3-9726603-C-T.
Other names: c.1082C>T, p.Thr361Ile (NM_001077526.3, NM_022485.5); c.1151C>T, p.Thr384Ile (NM_001400518.1, NM_001400521.1); c.1079C>T, p.Thr360Ile (NM_001400519.1, NM_001400522.1); c.1007C>T, p.Thr336Ile (NM_001400520.1, NM_001400523.1, NM_001400528.1); c.836C>T, p.Thr279Ile (NM_001400524.1, NM_001400527.1, NM_001400530.1); c.800C>T, p.Thr267Ile (NM_001400525.1, NM_001400529.1, NM_001400532.1); c.1076C>T, p.Thr359Ile (NM_001400526.1); c.833C>T, p.Thr278Ile (NM_001400531.1); and 5 more; short protein forms T122I, T147I, T242I, T254I, T267I, T278I, T279I, T336I.
Identifiers: ClinVar variation 2689467 (VCV002689467.5), dbSNP rs532720335, ClinGen allele CA2240599.

ClinVar aggregate classification (germline): Uncertain significance. Review status: criteria provided, multiple submitters, no conflicts (2 of 4 stars). 2 submissions from 2 submitters: Uncertain significance (2). Last evaluated 2023-11-09.

Allele frequency attached by ClinVar (database versions not stated): gnomAD exomes 0.00003; gnomAD 0.00005; ExAC 0.00010; 1000 Genomes Project 30x 0.00141; 1000 Genomes Project 0.00160.
gnomAD v4.1: 53 of 1,614,186 alleles (0.0033%); highest among the groups gnomAD compares: South Asian, 0.055%; 2 homozygotes.

Submissions (2):

Labcorp Genetics (formerly Invitae), Labcorp
Classification: Uncertain significance. Last evaluated: 2023-11-09. Review status: criteria provided, single submitter. Criteria: Invitae Variant Classification Sherloc (09022015). Collection method: clinical testing. Allele origin: germline.
Comment: This sequence change replaces threonine, which is neutral and polar, with isoleucine, which is neutral and non-polar, at codon 361 of the MTMR14 protein (p.Thr361Ile). This variant is present in population databases (rs532720335, gnomAD 0.06%), and has an allele count higher than expected for a pathogenic variant. This variant has not been reported in the literature in individuals affected with MTMR14-related conditions. Advanced modeling of protein sequence and biophysical properties (such as structural, functional, and spatial information, amino acid conservation, physicochemical variation, residue mobility, and thermodynamic stability) performed at Invitae indicates that this missense variant is not expected to disrupt MTMR14 protein function with a negative predictive value of 80%. In summary, the available evidence is currently insufficient to determine the role of this variant in disease. Therefore, it has been classified as a Variant of Uncertain Significance.

Revvity Omics, Revvity
Classification: Uncertain significance. Last evaluated: 2020-07-24. Review status: criteria provided, single submitter. Criteria: ACMG Guidelines, 2015. Collection method: clinical testing. Allele origin: germline.